The following is an entry in ClinVar:

NM_003242.6(TGFBR2):c.1524+1G>A

Gene: TGFBR2 (transforming growth factor beta receptor 2; plus strand). Cytogenetic location: 3p24.1.
Variant type: single nucleotide variant.
Coding change: c.1524+1G>A on transcript NM_003242.6 (MANE Select); the canonical splice donor site of the intron after coding-DNA position 1524, G replaced by A.
Molecular consequence: splice donor variant.
Genome position (GRCh38, 1-based): chr3:30,688,512, G>A. VCF-style: chr3-30688512-G-A. GRCh37 (hg19) VCF-style: chr3-30730004-G-A.
Other names: c.1527+1G>A (NM_001407129.1); c.1419+1G>A (NM_001407132.1, NM_001407136.1, NM_001407133.1 and 2 more transcripts); c.1707+1G>A (NM_001407126.1); c.1599+1G>A (NM_001024847.3); c.654+1G>A (NM_001407139.1); c.1239+1G>A (NM_001407137.1); c.1632+1G>A (NM_001407127.1); c.1521+1G>A (NM_001407130.1); and 2 more.
Identifiers: ClinVar variation 165395 (VCV000165395.13), dbSNP rs727503475, ClinGen allele CA020696.

ClinVar aggregate classification (germline): Conflicting classifications of pathogenicity. Review status: criteria provided, conflicting classifications (1 of 4 stars). 4 submissions from 4 submitters: Pathogenic (2); Likely pathogenic (1); Uncertain significance (1). Last evaluated 2026-04-29.

Conditions:
Loeys-Dietz syndrome (LDS). Identifiers: Orphanet 60030, MedGen C2697932, MONDO:0018954.
Familial thoracic aortic aneurysm and aortic dissection (TAAD). Also called: Thoracic aortic aneurysms and dissections. Identifiers: Orphanet 91387, MedGen C4707243, MONDO:0019625.
Loeys-Dietz syndrome 2 (LDS2). Also called: TGFBR2-Related Loeys-Dietz Syndrome; Marfan Syndrome type 2; Marfan like connective tissue disorder; MFS 2; AORTIC ANEURYSM, FAMILIAL THORACIC 3; MARFAN SYNDROME, TYPE II. Identifiers: Orphanet 284973, Orphanet 558, MedGen C2674574, MONDO:0012427, OMIM 610168.

Submissions (4):

Stanford Starfish Project, Stanford University
Classification: Pathogenic for Loeys-Dietz syndrome 2. Last evaluated: 2026-04-29. Review status: criteria provided, single submitter. Criteria: ACMG Guidelines, 2015. Collection method: provider interpretation. Allele origin: germline. Inheritance: Autosomal dominant inheritance. Affected: yes. Observed: 1 variant allele, 1 heterozygote.
Comment: This variant is predicted to weaken the canonical splice donor site and may result in aberrant splicing. Variant not reported in large population databases. See Observation 1 for details on clinical features.

Labcorp Genetics (formerly Invitae), Labcorp
Classification: Uncertain significance for Familial thoracic aortic aneurysm and aortic dissection. Last evaluated: 2023-08-09. Review status: criteria provided, single submitter. Criteria: Invitae Variant Classification Sherloc (09022015). Collection method: clinical testing. Allele origin: germline.
Comment: ClinVar contains an entry for this variant (Variation ID: 165395). In summary, the available evidence is currently insufficient to determine the role of this variant in disease. Therefore, it has been classified as a Variant of Uncertain Significance. Variants that disrupt the consensus splice site are a relatively common cause of aberrant splicing (PMID: 17576681, 9536098). Algorithms developed to predict the effect of sequence changes on RNA splicing suggest that this variant may disrupt the consensus splice site. This variant has been observed in individuals with clinical features of Loeys-Dietz syndrome (PMID: 24793577, 29543232; Invitae). This variant is not present in population databases (gnomAD no frequency). This sequence change falls in intron 6 of the TGFBR2 gene. It does not directly change the encoded amino acid sequence of the TGFBR2 protein. It affects a nucleotide within the consensus splice site.

Institute of Human Genetics Munich, TUM University Hospital
Classification: Pathogenic for Loeys-Dietz syndrome 2. Last evaluated: 2023-04-26. Review status: criteria provided, single submitter. Criteria: Classification criteria August 2017. Collection method: clinical testing. Allele origin: germline. Inheritance: Autosomal dominant inheritance. Affected: yes. Observed: 1 variant allele.

Laboratory for Molecular Medicine, Mass General Brigham Personalized Medicine
Classification: Likely pathogenic for Loeys-Dietz syndrome. Last evaluated: 2014-06-26. Review status: criteria provided, single submitter. Criteria: LMM Criteria. Collection method: clinical testing. Allele origin: germline. Inheritance: Autosomal dominant inheritance. Observed: 2 variant alleles.
Comment: The c.1524+1G>A variant in TGFBR2 has not been previously reported in individual s with clinical features of Loeys-Dietz syndrome or in large population studies. This variant occurs in the invariant region (+/- 1,2) of the splice consensus s equence and is predicted to cause altered splicing leading to an abnormal or abs ent protein. In summary, this variant is likely pathogenic, although additional information such as segregation and functional analysis is needed to fully estab lish its clinical significance.

Literature cited by the submitters: PubMed 17576681 (cited by Labcorp Genetics (formerly Invitae), Labcorp); PubMed 9536098 (cited by Labcorp Genetics (formerly Invitae), Labcorp); PubMed 24793577 (cited by Labcorp Genetics (formerly Invitae), Labcorp); PubMed 29543232 (cited by Labcorp Genetics (formerly Invitae), Labcorp).